The following is an entry in ClinVar:

NM_198578.4(LRRK2):c.7336C>T (p.Arg2446Cys)

Gene: LRRK2 (leucine rich repeat kinase 2; plus strand). Cytogenetic location: 12q12.
Variant type: single nucleotide variant.
Coding change: c.7336C>T on transcript NM_198578.4 (MANE Select); coding-DNA position 7336, C replaced by T.
Protein change: p.Arg2446Cys; replaces arginine 2446 with cysteine.
Molecular consequence: missense variant.
Genome position (GRCh38, 1-based): chr12:40,364,996, C>T. VCF-style: chr12-40364996-C-T. GRCh37 (hg19) VCF-style: chr12-40758798-C-T.
Other names: short protein forms R2446C.
Identifiers: ClinVar variation 4738657 (VCV004738657.1).

ClinVar aggregate classification (germline): Uncertain significance (1 of 4 stars; one submission).

Conditions:
Autosomal dominant Parkinson disease 8. Also called: Parkinson disease 8, susceptibility to; LRRK2-Related Parkinson Disease; Parkinson disease 8. Identifiers: Orphanet 411602, MedGen C1846862, MONDO:0011764, OMIM 607060.

gnomAD v4.1: 9 of 1,612,534 alleles (0.00056%); highest among the groups gnomAD compares: South Asian, 0.0055%; 1 homozygote.

Submission:

Labcorp Genetics (formerly Invitae), Labcorp
Classification: Uncertain significance for Autosomal dominant Parkinson disease 8. Last evaluated: 2026-01-20. Review status: criteria provided, single submitter. Criteria: Invitae Variant Classification Sherloc (09022015). Collection method: clinical testing. Allele origin: germline.
Comment: This sequence change replaces arginine, which is basic and polar, with cysteine, which is neutral and slightly polar, at codon 2446 of the LRRK2 protein (p.Arg2446Cys). This variant is present in population databases (no rsID available, gnomAD 0.003%). This variant has not been reported in the literature in individuals affected with LRRK2-related conditions. An algorithm developed to predict the effect of missense changes on protein structure and function outputs the following: PolyPhen-2: "Benign". The cysteine amino acid residue is found in multiple mammalian species, which suggests that this missense change does not adversely affect protein function. In summary, the available evidence is currently insufficient to determine the role of this variant in disease. Therefore, it has been classified as a Variant of Uncertain Significance.